The following is an entry in ClinVar:

ClinVar aggregate classification (germline): Uncertain significance (1 of 4 stars; one submission).

Conditions:
Cardiovascular phenotype. Identifiers: MedGen CN230736.

gnomAD v4.1: 1 of 1,548,518 alleles (0.000065%); highest among the groups gnomAD compares: African/African-American, 0.0014%; no homozygotes.

Submission:

Ambry Genetics
Classification: Uncertain significance for Cardiovascular phenotype. Last evaluated: 2025-04-02. Review status: criteria provided, single submitter. Criteria: Ambry Variant Classification Scheme 2023. Collection method: clinical testing. Allele origin: germline.
Comment: The p.P3239A variant (also known as c.9715C>G), located in coding exon 2 of the ZNF469 gene, results from a C to G substitution at nucleotide position 9715. The proline at codon 3239 is replaced by alanine, an amino acid with highly similar properties. This amino acid position is conserved. In addition, this alteration is predicted to be tolerated by in silico analysis. Based on the available evidence, the clinical significance of this variant remains unclear.

NM_001367624.2(ZNF469):c.9799C>G (p.Pro3267Ala)

Gene: ZNF469 (zinc finger protein 469; plus strand). Cytogenetic location: 16q24.2.
Variant type: single nucleotide variant.
Coding change: c.9799C>G on transcript NM_001367624.2 (MANE Select); coding-DNA position 9799, C replaced by G.
Protein change: p.Pro3267Ala; replaces proline 3267 with alanine.
Molecular consequence: missense variant.
Genome position (GRCh38, 1-based): chr16:88,437,269, C>G. VCF-style: chr16-88437269-C-G. GRCh37 (hg19) VCF-style: chr16-88503677-C-G.
Other names: NM_001127464.1:c.9715C>G; short protein forms P3267A.
Identifiers: ClinVar variation 3987314 (VCV003987314.1).
Genomic context (GRCh38, chr16:88,437,269, plus strand): 5'-AAGGCCGCCGGGAGCCCGGGAGACCCGTGGGGGCAAGAGGGAGAAGCCAAGAAAGACAGC[C>G]CGGGCGAGAGGGCGAAACCCCGGGCACGCAGCACCCCCAGCAACCCAGACGGGGCCGCGA-3'
Protein context (NP_001354553.1, residues 3257-3277): GQEGEAKKDS[Pro3267Ala]GERAKPRARS